The following is an entry in ClinVar:

ClinVar aggregate classification (germline): Benign. Review status: criteria provided, multiple submitters, no conflicts (2 of 4 stars). 4 submissions from 4 submitters: Benign (3). 1 of the submissions does not count toward it. Last evaluated 2019-12-31.

Conditions:
HERC2-related disorder. Also called: HERC2-related condition.

Allele frequency attached by ClinVar (database versions not stated): 1000 Genomes Project 0.02177; gnomAD 0.02201 and 0.02374; 1000 Genomes Project 30x 0.02264; TOPMed 0.02510; ESP Exome Variant Server 0.02591.
gnomAD v4.1: 6,665 of 1,614,158 alleles (0.41%); highest among the groups gnomAD compares: African/African-American, 7.7%; 247 homozygotes.

Submissions (4):

Labcorp Genetics (formerly Invitae), Labcorp
Classification: Benign. Last evaluated: 2019-12-31. Review status: criteria provided, single submitter. Criteria: Invitae Variant Classification Sherloc (09022015). Collection method: clinical testing. Allele origin: germline.

GeneDx
Classification: Benign. Last evaluated: 2018-07-24. Review status: criteria provided, single submitter. Criteria: GeneDx Variant Classification Process June 2021. Collection method: clinical testing. Allele origin: germline. Affected: yes.

Breakthrough Genomics
Classification: Benign. Review status: criteria provided, single submitter. Criteria: ACMG Guidelines, 2015. Collection method: not provided. Allele origin: germline. Inheritance: Autosomal recessive inheritance. Affected: yes.

PreventionGenetics, part of Exact Sciences
Classification: Benign for HERC2-related condition. Last evaluated: 2019-06-05. Review status: no assertion criteria provided. Collection method: clinical testing. Allele origin: germline. Not counted in ClinVar's aggregate classification.
Comment: This variant is classified as benign based on ACMG/AMP sequence variant interpretation guidelines (Richards et al. 2015 PMID: 25741868, with internal and published modifications).

NM_004667.6(HERC2):c.9192C>T (p.Val3064=)

Gene: HERC2 (HECT and RLD domain containing E3 ubiquitin protein ligase 2; minus strand). Cytogenetic location: 15q13.1.
Variant type: single nucleotide variant.
Coding change: c.9192C>T on transcript NM_004667.6 (MANE Select); coding-DNA position 9192, C replaced by T.
Protein change: p.Val3064=; no amino-acid change (valine 3064 retained).
Molecular consequence: synonymous variant.
Genome position (GRCh38, 1-based): chr15:28,177,481, G>A on the plus strand (C>T on the coding strand, the complement: HERC2 is on the minus strand). VCF-style: chr15-28177481-G-A. GRCh37 (hg19) VCF-style: chr15-28422627-G-A.
Identifiers: ClinVar variation 776867 (VCV000776867.8), dbSNP rs61756154, ClinGen allele CA7441222.